The following is an entry in ClinVar:

NM_004560.4(ROR2):c.1490C>A (p.Pro497Gln)

Gene: ROR2 (receptor tyrosine kinase like orphan receptor 2; minus strand). Cytogenetic location: 9q22.31.
Variant type: single nucleotide variant.
Coding change: c.1490C>A on transcript NM_004560.4 (MANE Select); coding-DNA position 1490, C replaced by A.
Protein change: p.Pro497Gln; replaces proline 497 with glutamine.
Molecular consequence: missense variant.
Genome position (GRCh38, 1-based): chr9:91,725,004, G>T on the plus strand (C>A on the coding strand, the complement: ROR2 is on the minus strand). VCF-style: chr9-91725004-G-T. GRCh37 (hg19) VCF-style: chr9-94487286-G-T.
Other names: short protein forms P497Q.
Identifiers: ClinVar variation 2785192 (VCV002785192.3), dbSNP rs772631240, ClinGen allele CA373798577.

ClinVar aggregate classification (germline): Uncertain significance (1 of 4 stars; one submission).

gnomAD v4.1: 18 of 1,613,770 alleles (0.0011%); highest among the groups gnomAD compares: Non-Finnish European, 0.0015%; no homozygotes.

Submission:

Labcorp Genetics (formerly Invitae), Labcorp
Classification: Uncertain significance. Last evaluated: 2023-11-06. Review status: criteria provided, single submitter. Criteria: Invitae Variant Classification Sherloc (09022015). Collection method: clinical testing. Allele origin: germline.
Comment: This sequence change replaces proline, which is neutral and non-polar, with glutamine, which is neutral and polar, at codon 497 of the ROR2 protein (p.Pro497Gln). This variant is not present in population databases (gnomAD no frequency). This variant has not been reported in the literature in individuals affected with ROR2-related conditions. Advanced modeling of protein sequence and biophysical properties (such as structural, functional, and spatial information, amino acid conservation, physicochemical variation, residue mobility, and thermodynamic stability) performed at Invitae indicates that this missense variant is not expected to disrupt ROR2 protein function with a negative predictive value of 80%. In summary, the available evidence is currently insufficient to determine the role of this variant in disease. Therefore, it has been classified as a Variant of Uncertain Significance.